The following is an entry in ClinVar:

ClinVar aggregate classification (germline): Conflicting classifications of pathogenicity. Review status: criteria provided, conflicting classifications (1 of 4 stars). 3 submissions from 3 submitters: Uncertain significance (1); Likely benign (1). 1 of the submissions does not count toward it. Last evaluated 2025-05-11.

Conditions:
MAPT-related disorder. Also called: MAPT-Related Disorders; MAPT-related condition.
MAPT-Related Spectrum Disorders.
Frontotemporal dementia (FTD1). Also called: MULTIPLE SYSTEM TAUOPATHY WITH PRESENILE DEMENTIA; WILHELMSEN-LYNCH DISEASE; FRONTOTEMPORAL DEMENTIA WITH PARKINSONISM; FRONTOTEMPORAL LOBE DEMENTIA; Dementia, frontotemporal, with or without parkinsonism; Frontotemporal lobe dementia (FLDEM). Identifiers: Orphanet 282, MedGen C0338451, MONDO:0017276, OMIM 600274, HP:0002145.

Allele frequency attached by ClinVar (database versions not stated): gnomAD 0.00001; gnomAD exomes 0.00001; TOPMed 0.00003.
gnomAD v4.1: 11 of 1,610,090 alleles (0.00068%); highest among the groups gnomAD compares: African/African-American, 0.0027%; no homozygotes.

Submissions (3):

Labcorp Genetics (formerly Invitae), Labcorp
Classification: Likely benign for Frontotemporal dementia. Last evaluated: 2025-05-11. Review status: criteria provided, single submitter. Criteria: Invitae Variant Classification Sherloc (09022015). Collection method: clinical testing. Allele origin: germline.

Illumina Laboratory Services, Illumina
Classification: Uncertain significance for MAPT-Related Spectrum Disorders. Last evaluated: 2018-01-13. Review status: criteria provided, single submitter. Criteria: ICSL Variant Classification Criteria 13 December 2019. Collection method: clinical testing. Allele origin: germline.

PreventionGenetics, part of Exact Sciences
Classification: Likely benign for MAPT-related condition. Last evaluated: 2023-03-22. Review status: no assertion criteria provided. Collection method: clinical testing. Allele origin: germline. Not counted in ClinVar's aggregate classification.
Comment: This variant is classified as likely benign based on ACMG/AMP sequence variant interpretation guidelines (Richards et al. 2015 PMID: 25741868, with internal and published modifications).

NM_001377265.1(MAPT):c.2173+9G>C

Gene: MAPT (microtubule associated protein tau). Cytogenetic location: 17q21.31.
Variant type: single nucleotide variant.
Coding change: c.2173+9G>C on transcript NM_001377265.1 (MANE Select); 9 bases into the intron after coding-DNA position 2173, G replaced by C.
Molecular consequence: intron variant.
Genome position (GRCh38, 1-based): chr17:46,014,333, G>C. VCF-style: chr17-46014333-G-C. GRCh37 (hg19) VCF-style: chr17-44091699-G-C.
Other names: c.1882+9G>C (NM_001377266.1); c.910+9G>C (NM_001123067.4); c.817+9G>C (NM_001203251.2); c.771+55G>C (NM_001377267.1); c.823+9G>C (NM_016834.5); c.730+9G>C (NM_016841.5, NM_001377268.1); c.2002+9G>C (NM_001123066.4, NM_001123066.3); c.1948+9G>C (NM_016835.5); and 2 more.
Identifiers: ClinVar variation 889078 (VCV000889078.13), dbSNP rs979650971, ClinGen allele CA291112287.